The following is an entry in ClinVar:

ClinVar aggregate classification (germline): Uncertain significance (1 of 4 stars; one submission).

Allele frequency attached by ClinVar (database versions not stated): ESP Exome Variant Server 0.00054; gnomAD exomes 0.00082; 1000 Genomes Project 0.00020; 1000 Genomes Project 30x 0.00016.

Submission:

Labcorp Genetics (formerly Invitae), Labcorp
Classification: Uncertain significance. Last evaluated: 2025-12-14. Review status: criteria provided, single submitter. Criteria: Invitae Variant Classification Sherloc (09022015). Collection method: clinical testing. Allele origin: germline.
Comment: This sequence change replaces threonine, which is neutral and polar, with asparagine, which is neutral and polar, at codon 907 of the TNK2 protein (p.Thr907Asn). This variant is present in population databases (rs148423089, gnomAD 0.2%), and has an allele count higher than expected for a pathogenic variant. This variant has not been reported in the literature in individuals affected with TNK2-related conditions. ClinVar contains an entry for this variant (Variation ID: 1503221). An algorithm developed to predict the effect of missense changes on protein structure and function (PolyPhen-2) suggests that this variant is likely to be tolerated. In summary, the available evidence is currently insufficient to determine the role of this variant in disease. Therefore, it has been classified as a Variant of Uncertain Significance.

NM_001382273.1(TNK2):c.2531C>A (p.Thr844Asn)

Gene: TNK2 (tyrosine kinase non receptor 2; minus strand). Cytogenetic location: 3q29.
Variant type: single nucleotide variant.
Coding change: c.2531C>A on transcript NM_001382273.1 (MANE Select); coding-DNA position 2531, C replaced by A.
Protein change: p.Thr844Asn; replaces threonine 844 with asparagine.
Molecular consequence: missense variant. On other transcripts: non-coding transcript variant (15).
Genome position (GRCh38, 1-based): chr3:195,867,767, G>T on the plus strand (C>A on the coding strand, the complement: TNK2 is on the minus strand). VCF-style: chr3-195867767-G-T. GRCh37 (hg19) VCF-style: chr3-195594638-G-T.
Other names: c.2627C>A, p.Thr876Asn (NM_001387707.1, NM_001382275.1); c.2558C>A, p.Thr853Asn (NM_001387708.1, NM_001387715.1); c.2486C>A, p.Thr829Asn (NM_001387709.1, NM_001387710.1, NM_001387711.1 and 8 more transcripts); c.2603C>A, p.Thr868Asn (NM_001010938.2, NM_001382272.1); c.2582C>A, p.Thr861Asn (NM_001308046.2, NM_001382271.1); c.2531C>A, p.Thr844Asn (NM_001382274.1, NM_001387716.1, NM_001387717.1 and 1 more transcripts); short protein forms T861N, T829N, T876N, T844N, T853N, T868N.
Identifiers: ClinVar variation 1503221 (VCV001503221.6), dbSNP rs148423089, ClinGen allele CA2775896.